The following is an entry in ClinVar:

ClinVar aggregate classification (germline): Uncertain significance (1 of 4 stars; one submission).

Conditions:
Hereditary spastic paraplegia 28. Also called: Spastic paraplegia 28, autosomal recessive. Identifiers: Orphanet 101008, MedGen C1836295, MONDO:0012256, OMIM 609340.

Allele frequency attached by ClinVar (database versions not stated): gnomAD exomes below 0.00001; ExAC 0.00001.
gnomAD v4.1: 1 of 1,613,840 alleles (0.000062%); highest among the groups gnomAD compares: South Asian, 0.0011%; no homozygotes.

Submission:

Labcorp Genetics (formerly Invitae), Labcorp
Classification: Uncertain significance for Hereditary spastic paraplegia 28. Last evaluated: 2024-11-05. Review status: criteria provided, single submitter. Criteria: Invitae Variant Classification Sherloc (09022015). Collection method: clinical testing. Allele origin: germline.
Comment: This sequence change replaces tyrosine, which is neutral and polar, with histidine, which is basic and polar, at codon 185 of the DDHD1 protein (p.Tyr185His). This variant is present in population databases (rs753134553, gnomAD 0.003%). This variant has not been reported in the literature in individuals affected with DDHD1-related conditions. ClinVar contains an entry for this variant (Variation ID: 1913009). Invitae Evidence Modeling of protein sequence and biophysical properties (such as structural, functional, and spatial information, amino acid conservation, physicochemical variation, residue mobility, and thermodynamic stability) indicates that this missense variant is not expected to disrupt DDHD1 protein function with a negative predictive value of 80%. In summary, the available evidence is currently insufficient to determine the role of this variant in disease. Therefore, it has been classified as a Variant of Uncertain Significance.

NM_001160148.2(DDHD1):c.553T>C (p.Tyr185His)

Gene: DDHD1 (DDHD domain containing 1; minus strand). Cytogenetic location: 14q22.1.
Variant type: single nucleotide variant.
Coding change: c.553T>C on transcript NM_001160148.2 (MANE Select); coding-DNA position 553, T replaced by C.
Protein change: p.Tyr185His; replaces tyrosine 185 with histidine.
Molecular consequence: missense variant.
Genome position (GRCh38, 1-based): chr14:53,152,546, A>G on the plus strand (T>C on the coding strand, the complement: DDHD1 is on the minus strand). VCF-style: chr14-53152546-A-G. GRCh37 (hg19) VCF-style: chr14-53619264-A-G.
Other names: c.553T>C, p.Tyr185His (NM_001160147.2, NM_030637.3); short protein forms Y185H.
Identifiers: ClinVar variation 1913009 (VCV001913009.5), dbSNP rs753134553, ClinGen allele CA7191466.